The following is an entry in ClinVar:

ClinVar aggregate classification (germline): Uncertain significance (1 of 4 stars; one submission).

Conditions:
Cardiomyopathy (CMYO). Also called: Cardiomyopathies. Identifiers: Orphanet 167848, MedGen C0878544, MONDO:0004994, HP:0001638. Inheritance: Various modes of inheritance.

Submission:

Color Diagnostics, LLC DBA Color Health
Classification: Uncertain significance for Cardiomyopathy. Last evaluated: 2025-03-17. Review status: criteria provided, single submitter. Criteria: ACMG Guidelines, 2015. Collection method: clinical testing. Allele origin: germline.
Comment: This missense variant replaces leucine with arginine at codon 90 of the MYL2 protein. Computational prediction suggests that this variant may have deleterious impact on protein structure and function (internally defined REVEL score threshold >= 0.7, PMID: 27666373). To our knowledge, functional studies have not been reported for this variant. This variant has not been reported in individuals affected with MYL2-related disorders in the literature. This variant has not been identified in the general population by the Genome Aggregation Database (gnomAD). The available evidence is insufficient to determine the role of this variant in disease conclusively. Therefore, this variant is classified as a Variant of Uncertain Significance.

NM_000432.4(MYL2):c.269T>G (p.Leu90Arg)

Gene: MYL2 (myosin light chain 2; minus strand). Cytogenetic location: 12q24.11.
Variant type: single nucleotide variant.
Coding change: c.269T>G on transcript NM_000432.4 (MANE Select); coding-DNA position 269, T replaced by G.
Protein change: p.Leu90Arg; replaces leucine 90 with arginine.
Molecular consequence: missense variant.
Genome position (GRCh38, 1-based): chr12:110,914,191, A>C on the plus strand (T>G on the coding strand, the complement: MYL2 is on the minus strand). VCF-style: chr12-110914191-A-C. GRCh37 (hg19) VCF-style: chr12-111351995-A-C.
Other names: c.227T>G, p.Leu76Arg (NM_001406745.1); c.212T>G, p.Leu71Arg (NM_001406916.1); short protein forms L71R, L76R, L90R.
Identifiers: ClinVar variation 3894259 (VCV003894259.1).